The following is an entry in ClinVar:

ClinVar aggregate classification (germline): Uncertain significance (1 of 4 stars; one submission).

gnomAD v4.1: 21 of 1,610,394 alleles (0.0013%); highest among the groups gnomAD compares: East Asian, 0.045%; no homozygotes.

Submission:

Labcorp Genetics (formerly Invitae), Labcorp
Classification: Uncertain significance. Last evaluated: 2025-12-24. Review status: criteria provided, single submitter. Criteria: Invitae Variant Classification Sherloc (09022015). Collection method: clinical testing. Allele origin: germline.
Comment: This sequence change replaces arginine, which is basic and polar, with histidine, which is basic and polar, at codon 545 of the LSR protein (p.Arg545His). This variant is present in population databases (rs552463790, gnomAD 0.05%). This variant has not been reported in the literature in individuals affected with LSR-related conditions. An algorithm developed to predict the effect of missense changes on protein structure and function outputs the following: PolyPhen-2: "Benign". The histidine amino acid residue is found in multiple mammalian species, which suggests that this missense change does not adversely affect protein function. In summary, the available evidence is currently insufficient to determine the role of this variant in disease. Therefore, it has been classified as a Variant of Uncertain Significance.

NM_205834.4(LSR):c.1490G>A (p.Arg497His)

Gene: LSR (lipolysis stimulated lipoprotein receptor; plus strand). Cytogenetic location: 19q13.12.
Variant type: single nucleotide variant.
Coding change: c.1490G>A on transcript NM_205834.4 (MANE Select); coding-DNA position 1490, G replaced by A.
Protein change: p.Arg497His; replaces arginine 497 with histidine.
Molecular consequence: missense variant.
Genome position (GRCh38, 1-based): chr19:35,267,454, G>A. VCF-style: chr19-35267454-G-A. GRCh37 (hg19) VCF-style: chr19-35758357-G-A.
Other names: c.1430G>A, p.Arg477His (NM_001260489.2); c.1166G>A, p.Arg389His (NM_001260490.2); c.1283G>A, p.Arg428His (NM_001385215.1); c.1433G>A, p.Arg478His (NM_015925.7); c.1286G>A, p.Arg429His (NM_205835.4); short protein forms R428H, R389H, R478H, R429H, R477H, R497H.
Identifiers: ClinVar variation 4760136 (VCV004760136.1).